The following is an entry in ClinVar:

NM_001194998.2(CEP152):c.1485T>G (p.Ser495Arg)

Gene: CEP152 (centrosomal protein 152; minus strand). Cytogenetic location: 15q21.1.
Variant type: single nucleotide variant.
Coding change: c.1485T>G on transcript NM_001194998.2 (MANE Select); coding-DNA position 1485, T replaced by G.
Protein change: p.Ser495Arg; replaces serine 495 with arginine.
Molecular consequence: missense variant.
Genome position (GRCh38, 1-based): chr15:48,781,288, A>C on the plus strand (T>G on the coding strand, the complement: CEP152 is on the minus strand). VCF-style: chr15-48781288-A-C. GRCh37 (hg19) VCF-style: chr15-49073485-A-C.
Other names: c.1485T>G, p.Ser495Arg (NM_014985.4); short protein forms S495R.
Identifiers: ClinVar variation 3142587 (VCV003142587.3), dbSNP rs774115618, ClinGen allele CA7548828.

ClinVar aggregate classification (germline): Uncertain significance. Review status: criteria provided, multiple submitters, no conflicts (2 of 4 stars). 2 submissions from 2 submitters: Uncertain significance (2). Last evaluated 2024-10-13.

Conditions:
Inborn genetic diseases. Identifiers: MedGen C0950123, MeSH D030342.

Allele frequency attached by ClinVar (database versions not stated): TOPMed below 0.00001; ExAC 0.00001; gnomAD 0.00001; gnomAD exomes 0.00001.
gnomAD v4.1: 4 of 1,612,928 alleles (0.00025%); highest among the groups gnomAD compares: African/African-American, 0.0027%; no homozygotes.

Submissions (2):

Labcorp Genetics (formerly Invitae), Labcorp
Classification: Uncertain significance. Last evaluated: 2024-10-13. Review status: criteria provided, single submitter. Criteria: Invitae Variant Classification Sherloc (09022015). Collection method: clinical testing. Allele origin: germline.
Comment: This sequence change replaces serine, which is neutral and polar, with arginine, which is basic and polar, at codon 495 of the CEP152 protein (p.Ser495Arg). This variant is present in population databases (rs774115618, gnomAD 0.008%). This variant has not been reported in the literature in individuals affected with CEP152-related conditions. Invitae Evidence Modeling of protein sequence and biophysical properties (such as structural, functional, and spatial information, amino acid conservation, physicochemical variation, residue mobility, and thermodynamic stability) indicates that this missense variant is not expected to disrupt CEP152 protein function with a negative predictive value of 80%. In summary, the available evidence is currently insufficient to determine the role of this variant in disease. Therefore, it has been classified as a Variant of Uncertain Significance.

Ambry Genetics
Classification: Uncertain significance for Inborn genetic diseases. Last evaluated: 2023-09-26. Review status: criteria provided, single submitter. Criteria: Ambry Variant Classification Scheme 2023. Collection method: clinical testing. Allele origin: germline.